The following is an entry in ClinVar:

ClinVar aggregate classification (germline): Uncertain significance (1 of 4 stars; one submission).

Conditions:
Dilated cardiomyopathy 1G (CMD1G). Identifiers: Orphanet 154, MedGen C1858763, MONDO:0011400, OMIM 604145.
Autosomal recessive limb-girdle muscular dystrophy type 2J (LGMDR10). Also called: Limb-girdle muscular dystrophy, type 2J; MUSCULAR DYSTROPHY, LIMB-GIRDLE, AUTOSOMAL RECESSIVE 10. Identifiers: Orphanet 140922, MedGen C1837342, MONDO:0012127, OMIM 608807.

gnomAD v4.1: 1 of 1,614,008 alleles (0.000062%); highest among the groups gnomAD compares: South Asian, 0.0011%; no homozygotes.

Submission:

Labcorp Genetics (formerly Invitae), Labcorp
Classification: Uncertain significance for Dilated cardiomyopathy 1G; Autosomal recessive limb-girdle muscular dystrophy type 2J. Last evaluated: 2025-03-18. Review status: criteria provided, single submitter. Criteria: Invitae Variant Classification Sherloc (09022015). Collection method: clinical testing. Allele origin: germline.
Comment: This sequence change replaces lysine, which is basic and polar, with arginine, which is basic and polar, at codon 35407 of the TTN protein (p.Lys35407Arg). This variant is present in population databases (no rsID available, gnomAD 0.003%). This variant has not been reported in the literature in individuals affected with TTN-related conditions. Experimental studies and prediction algorithms are not available or were not evaluated, and the functional significance of this variant is currently unknown. This variant is located in the M band of TTN (PMID: 25589632). Non-truncating variants in this region may be relevant for neuromuscular disorders, but have not been definitively shown to cause cardiomyopathy (PMID: 23975875). In summary, the available evidence is currently insufficient to determine the role of this variant in disease. Therefore, it has been classified as a Variant of Uncertain Significance.

Literature cited by the submitters: PubMed 25589632; PubMed 23975875.

NM_001267550.2(TTN):c.106220A>G (p.Lys35407Arg)

Genes: TTN-AS1 (TTN antisense RNA 1; plus strand), TTN (titin; minus strand). Cytogenetic location: 2q31.2.
Variant type: single nucleotide variant.
Coding change: c.106220A>G on transcript NM_001267550.2 (MANE Select); coding-DNA position 106220, A replaced by G.
Protein change: p.Lys35407Arg; replaces lysine 35407 with arginine.
Molecular consequence: missense variant.
Genome position (GRCh38, 1-based): chr2:178,530,395, T>C on the plus strand (A>G on the coding strand, the complement: TTN is on the minus strand). VCF-style: chr2-178530395-T-C. GRCh37 (hg19) VCF-style: chr2-179395122-T-C.
Other names: c.101297A>G, p.Lys33766Arg (NM_001256850.1); c.79025A>G, p.Lys26342Arg (NM_003319.4); c.98516A>G, p.Lys32839Arg (NM_133378.4); c.79400A>G, p.Lys26467Arg (NM_133432.3); c.79601A>G, p.Lys26534Arg (NM_133437.4); short protein forms K26342R, K26467R, K26534R, K32839R, K33766R, K35407R.
Identifiers: ClinVar variation 4784461 (VCV004784461.1).